The following is an entry in ClinVar:

NM_001042492.3(NF1):c.6257T>C (p.Leu2086Pro)

Gene: NF1 (neurofibromin 1; plus strand). Cytogenetic location: 17q11.2.
Variant type: single nucleotide variant.
Coding change: c.6257T>C on transcript NM_001042492.3 (MANE Select); coding-DNA position 6257, T replaced by C.
Protein change: p.Leu2086Pro; replaces leucine 2086 with proline.
Molecular consequence: missense variant.
Genome position (GRCh38, 1-based): chr17:31,336,744, T>C. VCF-style: chr17-31336744-T-C. GRCh37 (hg19) VCF-style: chr17-29663762-T-C.
Other names: c.6194T>C, p.Leu2065Pro (NM_000267.4); short protein forms L2065P, L2086P.
Identifiers: ClinVar variation 1752131 (VCV001752131.3), dbSNP rs2151554628, ClinGen allele CA399012148.

ClinVar aggregate classification (germline): Uncertain significance (1 of 4 stars; one submission).

Conditions:
Cardiovascular phenotype. Identifiers: MedGen CN230736.
Hereditary cancer-predisposing syndrome. Also called: Hereditary Cancer Syndrome; Hereditary neoplastic syndrome; Neoplastic Syndromes, Hereditary; Tumor predisposition. Identifiers: Orphanet 140162, MedGen C0027672, MeSH D009386, MONDO:0015356.

Submission:

Ambry Genetics
Classification: Uncertain significance for Cardiovascular phenotype; Hereditary cancer-predisposing syndrome. Last evaluated: 2026-07-24. Review status: criteria provided, single submitter. Criteria: Ambry Variant Classification Scheme 2023. Collection method: clinical testing. Allele origin: germline.
Comment: The p.L2065P variant (also known as c.6194T>C), located in coding exon 41 of the NF1 gene, results from a T to C substitution at nucleotide position 6194. The leucine at codon 2065 is replaced by proline, an amino acid with similar properties. This amino acid position is highly conserved in available vertebrate species. In addition, this alteration is predicted to be deleterious by in silico analysis. Since supporting evidence is limited at this time, the clinical significance of this alteration remains unclear.